The following is an entry in ClinVar:

ClinVar aggregate classification (germline): Uncertain significance (1 of 4 stars; one submission).

Conditions:
Leigh syndrome (NULS). Also called: Subacute necrotizing encephalopathy; Necrotizing encephalopathy infantile subacute of Leigh; Leigh's syndrome; Leigh Disease; LEIGH SYNDROME, NUCLEAR; Leigh's necrotizing encephalopathy. Identifiers: Orphanet 506, MedGen C2931891, MONDO:0009723, OMIM 256000.

Allele frequency attached by ClinVar (database versions not stated): gnomAD exomes below 0.00001.

Submission:

Labcorp Genetics (formerly Invitae), Labcorp
Classification: Uncertain significance for Leigh syndrome. Last evaluated: 2021-08-24. Review status: criteria provided, single submitter. Criteria: Invitae Variant Classification Sherloc (09022015). Collection method: clinical testing. Allele origin: germline.
Comment: This sequence change replaces glycine with glutamic acid at codon 199 of the SURF1 protein (p.Gly199Glu). The glycine residue is moderately conserved and there is a moderate physicochemical difference between glycine and glutamic acid. This variant is not present in population databases (ExAC no frequency). This variant has not been reported in the literature in individuals affected with SURF1-related conditions. Algorithms developed to predict the effect of missense changes on protein structure and function output the following: SIFT: "Tolerated"; PolyPhen-2: "Benign"; Align-GVGD: "Class C0". The glutamic acid amino acid residue is found in multiple mammalian species, which suggests that this missense change does not adversely affect protein function. In summary, the available evidence is currently insufficient to determine the role of this variant in disease. Therefore, it has been classified as a Variant of Uncertain Significance.

NM_003172.4(SURF1):c.596G>A (p.Gly199Glu)

Gene: SURF1 (SURF1 cytochrome c oxidase assembly factor; minus strand). Cytogenetic location: 9q34.2.
Variant type: single nucleotide variant.
Coding change: c.596G>A on transcript NM_003172.4 (MANE Select); coding-DNA position 596, G replaced by A.
Protein change: p.Gly199Glu; replaces glycine 199 with glutamic acid.
Molecular consequence: missense variant.
Genome position (GRCh38, 1-based): chr9:133,352,601, C>T on the plus strand (G>A on the coding strand, the complement: SURF1 is on the minus strand). VCF-style: chr9-133352601-C-T. GRCh37 (hg19) VCF-style: chr9-136219456-C-T.
Other names: c.269G>A, p.Gly90Glu (NM_001280787.1); short protein forms G199E, G90E.
Identifiers: ClinVar variation 1035831 (VCV001035831.6), dbSNP rs1836456450, ClinGen allele CA375693928.